The following is an entry in ClinVar:

NM_018026.4(PACS1):c.1788C>T (p.Thr596=)

Gene: PACS1 (phosphofurin acidic cluster sorting protein 1; plus strand). Cytogenetic location: 11q13.2.
Variant type: single nucleotide variant.
Coding change: c.1788C>T on transcript NM_018026.4 (MANE Select); coding-DNA position 1788, C replaced by T.
Protein change: p.Thr596=; no amino-acid change (threonine 596 retained).
Molecular consequence: synonymous variant.
Genome position (GRCh38, 1-based): chr11:66,233,016, C>T. VCF-style: chr11-66233016-C-T. GRCh37 (hg19) VCF-style: chr11-66000487-C-T.
Identifiers: ClinVar variation 1544486 (VCV001544486.33), dbSNP rs757234054, ClinGen allele CA6116671.

ClinVar aggregate classification (germline): Likely benign. Review status: criteria provided, multiple submitters, no conflicts (2 of 4 stars). 2 submissions from 2 submitters: Likely benign (2). Last evaluated 2025-12-21.

Conditions:
Schuurs-Hoeijmakers syndrome. Also called: PACS1-Related Neurodevelopmental Disorder. Identifiers: Orphanet 329224, MedGen C3554343, MONDO:0014006, OMIM 615009.

Allele frequency attached by ClinVar (database versions not stated): TOPMed 0.00002; ExAC 0.00003; gnomAD 0.00003; gnomAD exomes 0.00004.
gnomAD v4.1: 32 of 1,612,246 alleles (0.002%); highest among the groups gnomAD compares: East Asian, 0.013%; 1 homozygote.

Submissions (2):

Labcorp Genetics (formerly Invitae), Labcorp
Classification: Likely benign for Schuurs-Hoeijmakers syndrome. Last evaluated: 2025-12-21. Review status: criteria provided, single submitter. Criteria: Invitae Variant Classification Sherloc (09022015). Collection method: clinical testing. Allele origin: germline.

CeGaT Center for Human Genetics Tuebingen
Classification: Likely benign. Last evaluated: 2023-07-01. Review status: criteria provided, single submitter. Criteria: CeGaT Center For Human Genetics Tuebingen Variant Classification Criteria Version 2. Collection method: clinical testing. Allele origin: germline. Affected: yes. Observed: 1 variant allele.
Comment: PACS1: BP4, BP7